The following is an entry in ClinVar:

ClinVar aggregate classification (germline): Uncertain significance (0 of 4 stars; one submission).

Conditions:
LEPR-related disorder. Also called: LEPR-related condition; LEPR-related disorders.

gnomAD v4.1: 1 of 1,614,186 alleles (0.000062%); highest among the groups gnomAD compares: Non-Finnish European, 0.000085%; no homozygotes.

Submission:

PreventionGenetics, part of Exact Sciences
Classification: Uncertain significance for LEPR-related condition. Last evaluated: 2024-04-22. Review status: no assertion criteria provided. Collection method: clinical testing. Allele origin: germline.
Comment: The LEPR c.1801C>T variant is predicted to result in the amino acid substitution p.Pro601Ser. To our knowledge, this variant has not been reported in the literature or in a large population database, indicating this variant is rare. At this time, the clinical significance of this variant is uncertain due to the absence of conclusive functional and genetic evidence.

NM_002303.6(LEPR):c.1801C>T (p.Pro601Ser)

Gene: LEPR (leptin receptor; plus strand). Cytogenetic location: 1p31.3.
Variant type: single nucleotide variant.
Coding change: c.1801C>T on transcript NM_002303.6 (MANE Select); coding-DNA position 1801, C replaced by T.
Protein change: p.Pro601Ser; replaces proline 601 with serine.
Molecular consequence: missense variant.
Genome position (GRCh38, 1-based): chr1:65,609,995, C>T. VCF-style: chr1-65609995-C-T. GRCh37 (hg19) VCF-style: chr1-66075678-C-T.
Other names: c.1801C>T, p.Pro601Ser (NM_001003679.3, NM_001003680.3, NM_001198687.2 and 2 more transcripts); short protein forms P601S.
Identifiers: ClinVar variation 3347887 (VCV003347887.1), dbSNP rs267598693.